The following is an entry in ClinVar:

NM_000152.5(GAA):c.1754+6G>C

Gene: GAA (alpha glucosidase; plus strand). Cytogenetic location: 17q25.3.
Variant type: single nucleotide variant.
Coding change: c.1754+6G>C on transcript NM_000152.5 (MANE Select); 6 bases into the intron after coding-DNA position 1754, G replaced by C.
Molecular consequence: intron variant.
Genome position (GRCh38, 1-based): chr17:80,112,106, G>C. VCF-style: chr17-80112106-G-C. GRCh37 (hg19) VCF-style: chr17-78085905-G-C.
Other names: c.1754+6G>C (LRG_673t1, NM_001079803.3, NM_001079804.3).
Identifiers: ClinVar variation 641986 (VCV000641986.4), dbSNP rs1282791373, ClinGen allele CA627699788.

ClinVar aggregate classification (germline): Uncertain significance. Review status: criteria provided, single submitter (1 of 4 stars). 2 submissions from 2 submitters: Uncertain significance (1). 1 of the submissions does not count toward it. Last evaluated 2018-11-09.

Conditions:
Glycogen storage disease, type II (IOPD). Also called: Glucosidase acid-1,4-alpha deficiency; CARDIOMEGALIA GLYCOGENICA DIFFUSA; GLYCOGENOSIS, GENERALIZED, CARDIAC FORM; GSD II; POMPE DISEASE, INFANTILE-ONSET; GLYCOGEN STORAGE DISEASE II, INFANTILE-ONSET. Identifiers: Orphanet 365, MedGen C0017921, MONDO:0009290, OMIM 232300.

Allele frequency attached by ClinVar (database versions not stated): gnomAD exomes below 0.00001 and 0.00001.
gnomAD v4.1: 9 of 1,611,666 alleles (0.00056%); highest among the groups gnomAD compares: South Asian, 0.0099%; no homozygotes.

Submissions (2):

Labcorp Genetics (formerly Invitae), Labcorp
Classification: Uncertain significance for Glycogen storage disease, type II. Last evaluated: 2018-11-09. Review status: criteria provided, single submitter. Criteria: Invitae Variant Classification Sherloc (09022015). Collection method: clinical testing. Allele origin: germline.
Comment: This sequence change falls in intron 12 of the GAA gene. It does not directly change the encoded amino acid sequence of the GAA protein, but it affects a nucleotide within the consensus splice site of the intron. This variant is not present in population databases (ExAC no frequency). This variant has not been reported in the literature in individuals with GAA-related disease. Nucleotide substitutions within the consensus splice site are a relatively common cause of aberrant splicing (PMID: 17576681, 9536098). Algorithms developed to predict the effect of sequence changes on RNA splicing suggest that this variant is not likely to affect RNA splicing, but this prediction has not been confirmed by published transcriptional studies. In summary, the available evidence is currently insufficient to determine the role of this variant in disease. Therefore, it has been classified as a Variant of Uncertain Significance.

Natera, Inc.
Classification: Uncertain significance for Glycogen storage disease type II. Last evaluated: 2020-09-16. Review status: no assertion criteria provided. Collection method: clinical testing. Allele origin: germline. Not counted in ClinVar's aggregate classification.

Literature cited by the submitters: PubMed 17576681 (cited by Labcorp Genetics (formerly Invitae), Labcorp); PubMed 9536098 (cited by Labcorp Genetics (formerly Invitae), Labcorp).